The following is an entry in ClinVar:

NM_000551.4(VHL):c.340+725A>G

Genes: VHL (von Hippel-Lindau tumor suppressor; plus strand), LOC107303340 (3p25 von Hippel-Lindau tumor suppressor, E3 ubiquitin protein ligase Alu-mediated recombination region; plus strand). Cytogenetic location: 3p25.3.
Variant type: single nucleotide variant.
Coding change: c.340+725A>G on transcript NM_000551.4 (MANE Select); 725 bases into the intron after coding-DNA position 340, A replaced by G.
Molecular consequence: intron variant. On other transcripts: missense variant (1).
Genome position (GRCh38, 1-based): chr3:10,142,912, A>G. VCF-style: chr3-10142912-A-G. GRCh37 (hg19) VCF-style: chr3-10184596-A-G.
Other names: c.490A>G, p.Thr164Ala (NM_001354723.2); c.340+725A>G (NM_198156.3); short protein forms T164A.
Identifiers: ClinVar variation 1414331 (VCV001414331.8), dbSNP rs2125126029, ClinGen allele CA2573136123.

ClinVar aggregate classification (germline): Uncertain significance (1 of 4 stars; one submission).

Conditions:
Von Hippel-Lindau syndrome (VHLS). Also called: VHL syndrome; Von Hippel-Lindau; von Hippel–Lindau syndrome. Identifiers: Orphanet 892, MedGen C0019562, MONDO:0008667, OMIM 193300. Disease mechanism: loss of function.
Chuvash polycythemia. Also called: POLYCYTHEMIA, VHL-DEPENDENT. Identifiers: Orphanet 238557, MedGen C1837915, MONDO:0009892, OMIM 263400.

Submission:

Labcorp Genetics (formerly Invitae), Labcorp
Classification: Uncertain significance for Von Hippel-Lindau syndrome; Chuvash polycythemia. Last evaluated: 2022-08-23. Review status: criteria provided, single submitter. Criteria: Invitae Variant Classification Sherloc (09022015). Collection method: clinical testing. Allele origin: germline.
Comment: ClinVar contains an entry for this variant (Variation ID: 1414331). This variant has not been reported in the literature in individuals affected with VHL-related conditions. This variant is not present in population databases (gnomAD no frequency). This sequence change falls in intron 1 of the VHL gene. It is not expected to change the encoded amino acid sequence of the VHL protein. However, this sequence change falls within a cryptic exon in the VHL gene, known as exon E1’, which is naturally expressed at low levels in several human tissues (PMID: 29891534). Experimental studies and prediction algorithms are not available or were not evaluated, and the functional significance of this variant is currently unknown. Algorithms developed to predict the effect of sequence changes on RNA splicing suggest that this variant is not likely to affect RNA splicing. In summary, the available evidence is currently insufficient to determine the role of this variant in disease. Therefore, it has been classified as a Variant of Uncertain Significance.

Literature cited by the submitters: PubMed 29891534.